The following is an entry in ClinVar:

ClinVar aggregate classification (germline): Uncertain significance. Review status: criteria provided, multiple submitters, no conflicts (2 of 4 stars). 3 submissions from 3 submitters: Uncertain significance (3). Last evaluated 2024-02-27.

Conditions:
Hereditary cancer-predisposing syndrome. Also called: Hereditary neoplastic syndrome; Neoplastic Syndromes, Hereditary; Tumor predisposition; Hereditary Cancer Syndrome. Identifiers: Orphanet 140162, MedGen C0027672, MeSH D009386, MONDO:0015356.
Hereditary breast ovarian cancer syndrome. Also called: Hereditary breast and/or ovarian cancer syndrome; Hereditary breast and ovarian cancer syndrome; Hereditary breast and ovarian cancer syndrome (HBOC); Breast and ovarian cancer; BRCA1- and BRCA2-Associated Hereditary Breast and Ovarian Cancer; Hereditary breast and ovarian cancer. Identifiers: Orphanet 145, MedGen C0677776, MeSH D061325, MONDO:0003582. Disease mechanism: loss of function.
Familial cancer of breast. Also called: Hereditary breast cancer; hereditary breast carcinoma; BREAST CANCER, FAMILIAL. Identifiers: Orphanet 227535, MedGen C0346153, MONDO:0016419, OMIM 114480. Disease mechanism: loss of function.

Submissions (3):

Ambry Genetics
Classification: Uncertain significance for Hereditary cancer-predisposing syndrome. Last evaluated: 2024-02-27. Review status: criteria provided, single submitter. Criteria: Ambry Variant Classification Scheme 2023. Collection method: clinical testing. Allele origin: germline.
Comment: The p.F2562I variant (also known as c.7684T>A), located in coding exon 15 of the BRCA2 gene, results from a T to A substitution at nucleotide position 7684. The phenylalanine at codon 2562 is replaced by isoleucine, an amino acid with highly similar properties. This amino acid position is highly conserved in available vertebrate species. In addition, this alteration is predicted to be deleterious by in silico analysis. Based on the available evidence, the clinical significance of this alteration remains unclear.

Baylor Genetics
Classification: Uncertain significance for Familial cancer of breast. Last evaluated: 2023-05-11. Review status: criteria provided, single submitter. Criteria: ACMG Guidelines, 2015. Collection method: clinical testing. Allele origin: unknown.

Labcorp Genetics (formerly Invitae), Labcorp
Classification: Uncertain significance for Hereditary breast ovarian cancer syndrome. Last evaluated: 2022-12-18. Review status: criteria provided, single submitter. Criteria: Invitae Variant Classification Sherloc (09022015). Collection method: clinical testing. Allele origin: germline.
Comment: In summary, the available evidence is currently insufficient to determine the role of this variant in disease. Therefore, it has been classified as a Variant of Uncertain Significance. Advanced modeling of protein sequence and biophysical properties (such as structural, functional, and spatial information, amino acid conservation, physicochemical variation, residue mobility, and thermodynamic stability) has been performed at Invitae for this missense variant, however the output from this modeling did not meet the statistical confidence thresholds required to predict the impact of this variant on BRCA2 protein function. ClinVar contains an entry for this variant (Variation ID: 947740). This variant is not present in population databases (gnomAD no frequency). This sequence change replaces phenylalanine, which is neutral and non-polar, with isoleucine, which is neutral and non-polar, at codon 2562 of the BRCA2 protein (p.Phe2562Ile). This variant has not been reported in the literature in individuals affected with BRCA2-related conditions.

NM_000059.4(BRCA2):c.7684T>A (p.Phe2562Ile)

Gene: BRCA2 (BRCA2 DNA repair associated; plus strand). Cytogenetic location: 13q13.1.
Variant type: single nucleotide variant.
Coding change: c.7684T>A on transcript NM_000059.4 (MANE Select); coding-DNA position 7684, T replaced by A.
Protein change: p.Phe2562Ile; replaces phenylalanine 2562 with isoleucine.
Molecular consequence: missense variant.
Genome position (GRCh38, 1-based): chr13:32,357,808, T>A. VCF-style: chr13-32357808-T-A. GRCh37 (hg19) VCF-style: chr13-32931945-T-A.
Other names: short protein forms F2562I.
Identifiers: ClinVar variation 947740 (VCV000947740.12), dbSNP rs80358995, ClinGen allele CA387745150.